The following is an entry in ClinVar:

NM_002230.4(JUP):c.424C>T (p.Arg142Cys)

Gene: JUP (junction plakoglobin; minus strand). Cytogenetic location: 17q21.2.
Variant type: single nucleotide variant.
Coding change: c.424C>T on transcript NM_002230.4 (MANE Select); coding-DNA position 424, C replaced by T.
Protein change: p.Arg142Cys; replaces arginine 142 with cysteine.
Molecular consequence: missense variant.
Genome position (GRCh38, 1-based): chr17:41,769,462, G>A on the plus strand (C>T on the coding strand, the complement: JUP is on the minus strand). VCF-style: chr17-41769462-G-A. GRCh37 (hg19) VCF-style: chr17-39925714-G-A.
Other names: c.424C>T, p.Arg142Cys (NM_001352773.2, NM_001352774.2, NM_001352775.2 and 3 more transcripts); short protein forms R142C.
Identifiers: ClinVar variation 888676 (VCV000888676.11), dbSNP rs199591001, ClinGen allele CA290700837.

ClinVar aggregate classification (germline): Uncertain significance. Review status: criteria provided, multiple submitters, no conflicts (2 of 4 stars). 5 submissions from 4 submitters: Uncertain significance (5). Last evaluated 2024-10-03.

Conditions:
Cardiovascular phenotype. Identifiers: MedGen CN230736.
Arrhythmogenic right ventricular dysplasia 12. Also called: ARRHYTHMOGENIC RIGHT VENTRICULAR DYSPLASIA, FAMILIAL, 12. Identifiers: MedGen C1969081, MONDO:0012684, OMIM 611528.
Naxos disease (NXD). Also called: MAL DE NAXOS; PALMOPLANTAR KERATODERMA WITH ARRHYTHMOGENIC RIGHT VENTRICULAR CARDIOMYOPATHY AND WOOLLY HAIR; WOOLLY HAIR, PALMOPLANTAR KERATODERMA, AND CARDIAC ABNORMALITIES; CARDIOMYOPATHY, ARRHYTHMOGENIC RIGHT VENTRICULAR, WITH SKIN, HAIR, AND NAIL ABNORMALITIES; KERATOSIS PALMOPLANTARIS WITH ARRHYTHMOGENIC CARDIOMYOPATHY. Identifiers: Orphanet 34217, MedGen C1832600, MONDO:0011017, OMIM 601214.
Arrhythmogenic right ventricular cardiomyopathy (ARVD). Also called: Arrhythmogenic cardiomyopathy; Cardiomyopathy, ARVC; Arrhythmogenic right ventricular dysplasia; Arrhythmogenic Right Ventricular Cardiomyopathy (ARVC). Identifiers: Orphanet 247, MedGen C0349788, MeSH D019571, MONDO:0016587. Disease mechanism: loss of function. Inheritance: Various modes of inheritance.

Allele frequency attached by ClinVar (database versions not stated): gnomAD 0.00001; gnomAD exomes 0.00001; TOPMed 0.00001; 1000 Genomes Project 30x 0.00016; 1000 Genomes Project 0.00020.
gnomAD v4.1: 10 of 1,613,010 alleles (0.00062%); highest among the groups gnomAD compares: Middle Eastern, 0.033%; no homozygotes.

Submissions (5):

Molecular Genetics, Royal Melbourne Hospital
Classification: Uncertain significance for Arrhythmogenic right ventricular cardiomyopathy. Last evaluated: 2024-10-03. Review status: criteria provided, single submitter. Criteria: ACMG Guidelines, 2015. Collection method: clinical testing. Allele origin: germline. Inheritance: Autosomal dominant inheritance.

Labcorp Genetics (formerly Invitae), Labcorp
Classification: Uncertain significance for Arrhythmogenic right ventricular dysplasia 12; Naxos disease. Last evaluated: 2023-04-16. Review status: criteria provided, single submitter. Criteria: Invitae Variant Classification Sherloc (09022015). Collection method: clinical testing. Allele origin: germline.
Comment: In summary, the available evidence is currently insufficient to determine the role of this variant in disease. Therefore, it has been classified as a Variant of Uncertain Significance. An algorithm developed to predict the effect of missense changes on protein structure and function (PolyPhen-2) suggests that this variant is likely to be disruptive. ClinVar contains an entry for this variant (Variation ID: 888676). This variant has not been reported in the literature in individuals affected with JUP-related conditions. This variant is not present in population databases (gnomAD no frequency). This sequence change replaces arginine, which is basic and polar, with cysteine, which is neutral and slightly polar, at codon 142 of the JUP protein (p.Arg142Cys).

Ambry Genetics
Classification: Uncertain significance for Cardiovascular phenotype. Last evaluated: 2021-03-25. Review status: criteria provided, single submitter. Criteria: Ambry Variant Classification Scheme 2023. Collection method: clinical testing. Allele origin: germline.
Comment: The p.R142C variant (also known as c.424C>T), located in coding exon 2 of the JUP gene, results from a C to T substitution at nucleotide position 424. The arginine at codon 142 is replaced by cysteine, an amino acid with highly dissimilar properties. This amino acid position is highly conserved in available vertebrate species. In addition, this alteration is predicted to be deleterious by in silico analysis. Since supporting evidence is limited at this time, the clinical significance of this alteration remains unclear.

Illumina Laboratory Services, Illumina
Classification: Uncertain significance for Arrhythmogenic right ventricular dysplasia 12. Last evaluated: 2018-01-13. Review status: criteria provided, single submitter. Criteria: ICSL Variant Classification Criteria 13 December 2019. Collection method: clinical testing. Allele origin: germline.

Illumina Laboratory Services, Illumina
Classification: Uncertain significance for Naxos disease. Last evaluated: 2018-01-13. Review status: criteria provided, single submitter. Criteria: ICSL Variant Classification Criteria 13 December 2019. Collection method: clinical testing. Allele origin: germline.